The following is an entry in ClinVar:

NM_001256789.3(CACNA1F):c.1535G>T (p.Arg512Leu)

Gene: CACNA1F (calcium voltage-gated channel subunit alpha1 F; minus strand). Cytogenetic location: Xp11.23.
Variant type: single nucleotide variant.
Coding change: c.1535G>T on transcript NM_001256789.3 (MANE Select); coding-DNA position 1535, G replaced by T.
Protein change: p.Arg512Leu; replaces arginine 512 with leucine.
Molecular consequence: missense variant.
Genome position (GRCh38, 1-based): chrX:49,226,025, C>A on the plus strand (G>T on the coding strand, the complement: CACNA1F is on the minus strand). VCF-style: chrX-49226025-C-A. GRCh37 (hg19) VCF-style: chrX-49082487-C-A.
Other names: c.1373G>T, p.Arg458Leu (NM_001256790.3); c.1568G>T, p.Arg523Leu (NM_005183.4); short protein forms R458L, R512L, R523L.
Identifiers: ClinVar variation 3695523 (VCV003695523.2).

ClinVar aggregate classification (germline): Uncertain significance (1 of 4 stars; one submission).

gnomAD v4.1: 8 of 1,186,442 alleles (0.00067%); highest among the groups gnomAD compares: Admixed American, 0.0095%; no homozygotes.

Submission:

Labcorp Genetics (formerly Invitae), Labcorp
Classification: Uncertain significance. Last evaluated: 2025-08-11. Review status: criteria provided, single submitter. Criteria: Invitae Variant Classification Sherloc (09022015). Collection method: clinical testing. Allele origin: germline.
Comment: This sequence change replaces arginine, which is basic and polar, with leucine, which is neutral and non-polar, at codon 523 of the CACNA1F protein (p.Arg523Leu). The frequency data for this variant in the population databases is considered unreliable, as metrics indicate poor data quality at this position in the gnomAD database. This variant has not been reported in the literature in individuals affected with CACNA1F-related conditions. ClinVar contains an entry for this variant (Variation ID: 3695523). Invitae Evidence Modeling of protein sequence and biophysical properties (such as structural, functional, and spatial information, amino acid conservation, physicochemical variation, residue mobility, and thermodynamic stability) indicates that this missense variant is not expected to disrupt CACNA1F protein function with a negative predictive value of 80%. In summary, the available evidence is currently insufficient to determine the role of this variant in disease. Therefore, it has been classified as a Variant of Uncertain Significance.